The following is an entry in ClinVar:

ClinVar aggregate classification (germline): Likely benign (1 of 4 stars; one submission).

Conditions:
Greenberg dysplasia (GRBGD). Also called: CHONDRODYSTROPHY, HYDROPIC AND PRENATALLY LETHAL TYPE; MOTH-EATEN SKELETAL DYSPLASIA; HEM SKELETAL DYSPLASIA. Identifiers: Orphanet 1426, MedGen C2931048, MONDO:0008974, OMIM 215140.

Allele frequency attached by ClinVar (database versions not stated): gnomAD below 0.00001 and 0.00012; TOPMed 0.00003; 1000 Genomes Project 0.00060; 1000 Genomes Project 30x 0.00062.

Submission:

Illumina Laboratory Services, Illumina
Classification: Likely benign for Greenberg dysplasia. Last evaluated: 2018-01-13. Review status: criteria provided, single submitter. Criteria: ICSL Variant Classification Criteria 13 December 2019. Collection method: clinical testing. Allele origin: germline.
Comment: This variant was observed in the ICSL laboratory as part of a predisposition screen in an ostensibly healthy population. It had not been previously curated by ICSL or reported in the Human Gene Mutation Database (HGMD: prior to June 1st, 2018), and was therefore a candidate for classification through an automated scoring system. Utilizing variant allele frequency, disease prevalence and penetrance estimates, and inheritance mode, an automated score was calculated to assess if this variant is too frequent to cause the disease. Based on the score and internal cut-off values, a variant classified as likely benign is not then subjected to further curation. The score for this variant resulted in a classification of likely benign for this disease.

NM_002296.4(LBR):c.-33C>A

Gene: LBR (lamin B receptor; minus strand). Cytogenetic location: 1q42.12.
Variant type: single nucleotide variant.
Coding change: c.-33C>A on transcript NM_002296.4 (MANE Select); 33 bases upstream of the start codon, C replaced by A.
Molecular consequence: 5 prime UTR variant. On other transcripts: intron variant (1).
Genome position (GRCh38, 1-based): chr1:225,427,972, G>T on the plus strand (C>A on the coding strand, the complement: LBR is on the minus strand). VCF-style: chr1-225427972-G-T. GRCh37 (hg19) VCF-style: chr1-225615674-G-T.
Other names: c.-15+734C>A (NM_194442.3).
Identifiers: ClinVar variation 295951 (VCV000295951.5), dbSNP rs557283078, ClinGen allele CA10610142.